The following is an entry in ClinVar:

ClinVar aggregate classification (germline): Uncertain significance (1 of 4 stars; one submission).

Conditions:
Malignant hyperthermia, susceptibility to, 5 (MHS5). Also called: CACNA1S-Related Malignant Hyperthermia Susceptibility. Identifiers: Orphanet 423, MedGen C1866077, MONDO:0011163, OMIM 601887.

Submission:

All of Us Research Program, National Institutes of Health
Classification: Uncertain significance for Malignant hyperthermia, susceptibility to, 5. Last evaluated: 2023-08-15. Review status: criteria provided, single submitter. Criteria: ACMG Guidelines, 2015. Collection method: clinical testing. Allele origin: germline. Inheritance: Autosomal dominant inheritance. Observed: 1 variant allele, 1 heterozygote.
Comment: This variant deletes 4 nucleotides in exon 40 of the CACNA1S gene, creating a frameshift and premature translation stop signal. This variant is expected to result in an absent or non-functional protein product. To our knowledge, this variant has not been reported in individuals affected with CACNA1S-related disorders in the literature. This variant has not been identified in the general population by the Genome Aggregation Database (gnomAD). Loss of CACNA1S gene function due to haploinsufficiency is not an established disease mechanism for autosomal dominant malignant hyperthermia. Due to insufficient evidence, this variant is classified as a Variant of Uncertain Significance for autosomal dominant malignant hyperthermia.

This study involves interpretation of variants in research participants for the purpose of population health screening. Participant phenotype was not available at the time of variant classification. Additional details can be found in publication PMID: 35346344, PMCID: PMC8962531

NM_000069.3(CACNA1S):c.4945_4948del (p.Gln1649fs)

Gene: CACNA1S (calcium voltage-gated channel subunit alpha1 S; minus strand). Cytogenetic location: 1q32.1.
Variant type: Deletion.
Coding change: c.4945_4948del on transcript NM_000069.3 (MANE Select); coding-DNA positions 4945 to 4948, 4 bases deleted (CAAG; older notation c.4945_4948delCAAG).
Protein change: p.Gln1649fs; shifts the reading frame from glutamine 1649.
Molecular consequence: frameshift variant.
Genome position (GRCh38, 1-based): chr1:201,043,381-201,043,384, CTTG deleted on the plus strand (CAAG on the coding strand, the reverse complement: CACNA1S is on the minus strand). VCF-style (leftmost placement, unchanged base first): chr1-201043380-TCTTG-T. GRCh37 (hg19) VCF-style: chr1-201012508-TCTTG-T.
Other names: short protein forms Q1649fs.
Identifiers: ClinVar variation 3073014 (VCV003073014.1), dbSNP rs2464410814, ClinGen allele CA2825000896.
Genomic context (GRCh38, chr1:201,043,380, plus strand): 5'-TAGGCGACATTGGCGTTGGCATTGTTGGTATTGGCACGAGCCAGGGGGTTGGTGCGTGGA[TCTTG>T]TGGGAAGTCCTCCAAGAAGACAGGTGACTCCATCTCTTCCATCTCTATCTCAGCAAACTG-3'